The following is an entry in ClinVar:

NM_000135.4(FANCA):c.619G>T (p.Gly207Ter)

Gene: FANCA (FA complementation group A; minus strand). Cytogenetic location: 16q24.3.
Variant type: single nucleotide variant.
Coding change: c.619G>T on transcript NM_000135.4 (MANE Select); coding-DNA position 619, G replaced by T.
Protein change: p.Gly207Ter; replaces glycine 207 with a stop codon.
Molecular consequence: nonsense.
Genome position (GRCh38, 1-based): chr16:89,805,370, C>A on the plus strand (G>T on the coding strand, the complement: FANCA is on the minus strand). VCF-style: chr16-89805370-C-A. GRCh37 (hg19) VCF-style: chr16-89871778-C-A.
Other names: c.619G>T, p.Gly207Ter (NM_001018112.3, NM_001286167.3); c.523G>T, p.Gly175Ter (NM_001351830.2); short protein forms G175*, G207*.
Identifiers: ClinVar variation 3768518 (VCV003768518.1).

ClinVar aggregate classification (germline): Pathogenic (1 of 4 stars; one submission).

Conditions:
Fanconi anemia (FA). Also called: Fanconi's anemia. Identifiers: Orphanet 84, MedGen C0015625, MeSH D005199, MONDO:0019391.

Submission:

Women's Health and Genetics/Laboratory Corporation of America, LabCorp
Classification: Pathogenic for Fanconi anemia. Last evaluated: 2024-12-18. Review status: criteria provided, single submitter. Criteria: LabCorp Variant Classification Summary - May 2015. Collection method: clinical testing. Allele origin: germline.
Comment: Variant summary: FANCA c.619G>T (p.Gly207X) results in a premature termination codon, predicted to cause a truncation of the encoded protein or absence of the protein due to nonsense mediated decay, which are commonly known mechanisms for disease. The variant was absent in 249230 control chromosomes (gnomAD). c.619G>T has been reported in the literature in individual(s) affected with Fanconi Anemia (e.g. De Rocco_2014). To our knowledge, no experimental evidence demonstrating an impact on protein function has been reported. The following publication have been ascertained in the context of this evaluation (PMID: 24584348). No submitters have cited clinical-significance assessments for this variant to ClinVar. Based on the evidence outlined above, the variant was classified as pathogenic.

Literature cited by the submitters: PubMed 24584348.